The following is an entry in ClinVar:

ClinVar aggregate classification (germline): Pathogenic. Review status: criteria provided, multiple submitters, no conflicts (2 of 4 stars). 2 submissions from 2 submitters: Pathogenic (2). Last evaluated 2024-07-16.

Conditions:
Hereditary cancer-predisposing syndrome. Also called: Neoplastic Syndromes, Hereditary; Tumor predisposition; Hereditary neoplastic syndrome; Hereditary Cancer Syndrome. Identifiers: Orphanet 140162, MedGen C0027672, MeSH D009386, MONDO:0015356.
Cardiovascular phenotype. Identifiers: MedGen CN230736.

Submissions (2):

GeneDx
Classification: Pathogenic. Last evaluated: 2024-07-16. Review status: criteria provided, single submitter. Criteria: GeneDx Variant Classification Process June 2021. Collection method: clinical testing. Allele origin: germline. Affected: yes.
Comment: Frameshift variant predicted to result in protein truncation or nonsense mediated decay in a gene for which loss of function is a known mechanism of disease; Not observed at significant frequency in large population cohorts (gnomAD); This variant is associated with the following publications: (PMID: 32575496)

Ambry Genetics
Classification: Pathogenic for Cardiovascular phenotype; Hereditary cancer-predisposing syndrome. Last evaluated: 2023-05-22. Review status: criteria provided, single submitter. Criteria: Ambry Variant Classification Scheme 2023. Collection method: clinical testing. Allele origin: germline.
Comment: The c.5425delC variant, located in coding exon 37 of the NF1 gene, results from a deletion of one nucleotide at nucleotide position 5425, causing a translational frameshift with a predicted alternate stop codon (p.R1809Afs*33). This variant was reported in a cohort of 250 patients with suspected Neurofibromatosis Type 1 (Bianchessi D et al. Genes (Basel), 2020 Jun;11:). In addition to the clinical data presented in the literature, this alteration is expected to result in loss of function by premature protein truncation or nonsense-mediated mRNA decay. As such, this alteration is interpreted as a disease-causing mutation.

NM_001042492.3(NF1):c.5488del (p.Arg1830fs)

Gene: NF1 (neurofibromin 1; plus strand). Cytogenetic location: 17q11.2.
Variant type: Deletion.
Coding change: c.5488del on transcript NM_001042492.3 (MANE Select); coding-DNA position 5488, one base deleted (C; older notation c.5488delC).
Protein change: p.Arg1830fs; shifts the reading frame from arginine 1830.
Molecular consequence: frameshift variant.
Genome position (GRCh38, 1-based): chr17:31,327,718, C deleted; the last of 3 consecutive C bases (chr17:31,327,716-31,327,718); deleting any one gives the same sequence. VCF-style (leftmost placement, unchanged base first): chr17-31327715-AC-A. GRCh37 (hg19) VCF-style: chr17-29654733-AC-A.
Other names: c.5425delC (NM_000267.3); c.5425delC, p.Arg1809Alafs (NM_000267.4); short protein forms R1809fs, R1830fs.
Identifiers: ClinVar variation 3237833 (VCV003237833.2), dbSNP rs2508707174.